The following is an entry in ClinVar:

NM_001040108.2(MLH3):c.62C>A (p.Ser21Tyr)

Gene: MLH3 (mutL homolog 3; minus strand). Cytogenetic location: 14q24.3.
Variant type: single nucleotide variant.
Coding change: c.62C>A on transcript NM_001040108.2 (MANE Select); coding-DNA position 62, C replaced by A.
Protein change: p.Ser21Tyr; replaces serine 21 with tyrosine.
Molecular consequence: missense variant.
Genome position (GRCh38, 1-based): chr14:75,049,594, G>T on the plus strand (C>A on the coding strand, the complement: MLH3 is on the minus strand). VCF-style: chr14-75049594-G-T. GRCh37 (hg19) VCF-style: chr14-75516297-G-T.
Other names: c.62C>A, p.Ser21Tyr (NM_014381.3); short protein forms S21Y.
Identifiers: ClinVar variation 3232589 (VCV003232589.1), dbSNP rs771802126, ClinGen allele CA390451795.

ClinVar aggregate classification (germline): Uncertain significance (1 of 4 stars; one submission).

gnomAD v4.1: 1 of 1,614,134 alleles (0.000062%); highest among the groups gnomAD compares: Non-Finnish European, 0.000085%; no homozygotes.

Submission:

Ambry Genetics
Classification: Uncertain significance. Last evaluated: 2023-12-31. Review status: criteria provided, single submitter. Criteria: Ambry Variant Classification Scheme 2023. Collection method: clinical testing. Allele origin: germline.
Comment: The p.S21Y variant (also known as c.62C>A), located in coding exon 1 of the MLH3 gene, results from a C to A substitution at nucleotide position 62. The serine at codon 21 is replaced by tyrosine, an amino acid with dissimilar properties. This amino acid position is conserved. In addition, this alteration is predicted to be deleterious by in silico analysis. Since supporting evidence is limited at this time, the clinical significance of this alteration remains unclear.